The following is an entry in ClinVar:

NM_006929.5(SKIC2):c.869C>T (p.Thr290Ile)

Gene: SKIC2 (SKI2 subunit of superkiller complex; plus strand). Cytogenetic location: 6p21.33.
Variant type: single nucleotide variant.
Coding change: c.869C>T on transcript NM_006929.5 (MANE Select); coding-DNA position 869, C replaced by T.
Protein change: p.Thr290Ile; replaces threonine 290 with isoleucine.
Molecular consequence: missense variant.
Genome position (GRCh38, 1-based): chr6:31,961,626, C>T. VCF-style: chr6-31961626-C-T. GRCh37 (hg19) VCF-style: chr6-31929403-C-T.
Other names: short protein forms T290I.
Identifiers: ClinVar variation 1920056 (VCV001920056.3), dbSNP rs140981385, ClinGen allele CA3729271.

ClinVar aggregate classification (germline): Uncertain significance (1 of 4 stars; one submission).

Allele frequency attached by ClinVar (database versions not stated): gnomAD 0.00001; TOPMed 0.00001; ExAC 0.00002; ESP Exome Variant Server 0.00012.
gnomAD v4.1: 24 of 1,612,942 alleles (0.0015%); highest among the groups gnomAD compares: Non-Finnish European, 0.002%; no homozygotes.

Submission:

Labcorp Genetics (formerly Invitae), Labcorp
Classification: Uncertain significance. Last evaluated: 2024-03-04. Review status: criteria provided, single submitter. Criteria: Invitae Variant Classification Sherloc (09022015). Collection method: clinical testing. Allele origin: germline.
Comment: This sequence change replaces threonine, which is neutral and polar, with isoleucine, which is neutral and non-polar, at codon 290 of the SKIV2L protein (p.Thr290Ile). This variant is present in population databases (rs140981385, gnomAD 0.002%). This variant has not been reported in the literature in individuals affected with SKIV2L-related conditions. ClinVar contains an entry for this variant (Variation ID: 1920056). An algorithm developed to predict the effect of missense changes on protein structure and function (PolyPhen-2) suggests that this variant¬†is likely to be tolerated. In summary, the available evidence is currently insufficient to determine the role of this variant in disease. Therefore, it has been classified as a Variant of Uncertain Significance.